The following is an entry in ClinVar:

ClinVar aggregate classification (germline): Conflicting classifications of pathogenicity. Review status: criteria provided, conflicting classifications (1 of 4 stars). 2 submissions from 2 submitters: Likely pathogenic (1); Uncertain significance (1). Last evaluated 2024-08-15.

Conditions:
Ehlers-Danlos syndrome due to tenascin-X deficiency (EDSCLL1). Also called: EHLERS-DANLOS SYNDROME, CLASSIC-LIKE; Ehlers-Danlos syndrome, classic-like, 1; TNXB-Related Classical-Like Ehlers-Danlos Syndrome; EDS DUE TO TNX DEFICIENCY; TNX DEFICIENCY. Identifiers: Orphanet 230839, MedGen C1848029, MONDO:0011670, OMIM 606408.
Vesicoureteral reflux 8 (VUR8). Identifiers: Orphanet 289365, MedGen C4014831, MONDO:0014422, OMIM 615963.
Cardiovascular phenotype. Identifiers: MedGen CN230736.

gnomAD v4.1: 1 of 1,606,468 alleles (0.000062%); no homozygotes.

Submissions (2):

Ambry Genetics
Classification: Uncertain significance for Cardiovascular phenotype. Last evaluated: 2024-08-15. Review status: criteria provided, single submitter. Criteria: Ambry Variant Classification Scheme 2023. Collection method: clinical testing. Allele origin: germline.
Comment: The c.7825+1G>T intronic variant results from a G to T substitution one nucleotide after coding exon 21 of the TNXB gene. Alterations that disrupt the canonical splice site are expected to result in aberrant splicing. In silico splice site analysis predicts that this alteration will weaken the native splice donor site and will result in the creation or strengthening of a novel splice donor site. The resulting transcript is predicted to be in-frame and is not expected to trigger nonsense-mediated mRNAdecay; however, direct evidence is unavailable. The exact functional effect of the altered amino acid sequence is unknown. This nucleotide position is well conserved in available vertebrate species. Based on the available evidence, the clinical significance of this variant remains unclear.

Fulgent Genetics
Classification: Likely pathogenic for Ehlers-Danlos syndrome due to tenascin-X deficiency; Vesicoureteral reflux 8. Last evaluated: 2024-06-22. Review status: criteria provided, single submitter. Criteria: ACMG Guidelines, 2015. Collection method: clinical testing. Allele origin: germline.

NM_001365276.2(TNXB):c.7825+1G>T

Gene: TNXB (tenascin XB; minus strand). Cytogenetic location: 6p21.33.
Variant type: single nucleotide variant.
Coding change: c.7825+1G>T on transcript NM_001365276.2 (MANE Select); the canonical splice donor site of the intron after coding-DNA position 7825, G replaced by T.
Molecular consequence: splice donor variant.
Genome position (GRCh38, 1-based): chr6:32,058,057, C>A on the plus strand (G>T on the coding strand, the complement: TNXB is on the minus strand). VCF-style: chr6-32058057-C-A. GRCh37 (hg19) VCF-style: chr6-32025834-C-A.
Other names: c.7825+1G>T (NM_019105.8); c.8566+1G>T (NM_001428335.1).
Identifiers: ClinVar variation 3459737 (VCV003459737.2).
Genomic context (GRCh38, chr6:32,058,057, plus strand): 5'-GTAGAGAAGGGCACATTTTCTAGGGCTGTCTTCCAACCCTGCCCCACCCACACTCACTCA[C>A]CTGTGACGCCCACGGCAGACACCGGGCCCAGGCGCCGCCCCTCGTGGAGGCCGTACAGGT-3'